The following is an entry in ClinVar:

NM_000256.3(MYBPC3):c.2039C>T (p.Thr680Ile)

Gene: MYBPC3 (myosin binding protein C3; minus strand). Cytogenetic location: 11p11.2.
Variant type: single nucleotide variant.
Coding change: c.2039C>T on transcript NM_000256.3 (MANE Select); coding-DNA position 2039, C replaced by T.
Protein change: p.Thr680Ile; replaces threonine 680 with isoleucine.
Molecular consequence: missense variant.
Genome position (GRCh38, 1-based): chr11:47,339,679, G>A on the plus strand (C>T on the coding strand, the complement: MYBPC3 is on the minus strand). VCF-style: chr11-47339679-G-A. GRCh37 (hg19) VCF-style: chr11-47361230-G-A.
Other names: short protein forms T680I.
Identifiers: ClinVar variation 1170990 (VCV001170990.7), dbSNP rs2142857616, ClinGen allele CA380321446.
Genomic context (GRCh38, chr11:47,339,679, plus strand): 5'-AGATGGGGAGACTGAGGAGGGACCCACAGTACCTGCGTGATAGCCTTCTGCCAGATCACA[G>A]TGGGAGCAGGGTCCCCAGAGATAGGGACGTCCAGACGTAGCTTATTTCCAGCTACAACCA-3'
Protein context (NP_000247.2, residues 670-690): DVPISGDPAP[Thr680Ile]VIWQKAITQG

ClinVar aggregate classification (germline): Uncertain significance. Review status: criteria provided, multiple submitters, no conflicts (2 of 4 stars). 3 submissions from 3 submitters: Uncertain significance (3). Last evaluated 2025-12-21.

Conditions:
Hypertrophic cardiomyopathy. Also called: HYPERTROPHIC MYOCARDIOPATHY. Identifiers: Orphanet 217569, MedGen C0007194, MeSH D002312, MONDO:0005045, HP:0001639.
Cardiomyopathy (CMYO). Also called: Cardiomyopathies. Identifiers: Orphanet 167848, MedGen C0878544, MONDO:0004994, HP:0001638. Inheritance: Various modes of inheritance.

Submissions (3):

Labcorp Genetics (formerly Invitae), Labcorp
Classification: Uncertain significance for Hypertrophic cardiomyopathy. Last evaluated: 2025-12-21. Review status: criteria provided, single submitter. Criteria: Invitae Variant Classification Sherloc (09022015). Collection method: clinical testing. Allele origin: germline.
Comment: This sequence change replaces threonine, which is neutral and polar, with isoleucine, which is neutral and non-polar, at codon 680 of the MYBPC3 protein (p.Thr680Ile). This variant is not present in population databases (gnomAD no frequency). This variant has not been reported in the literature in individuals affected with MYBPC3-related conditions. ClinVar contains an entry for this variant (Variation ID: 1170990). An algorithm developed to predict the effect of missense changes on protein structure and function (PolyPhen-2) suggests that this variant is likely to be disruptive. In summary, the available evidence is currently insufficient to determine the role of this variant in disease. Therefore, it has been classified as a Variant of Uncertain Significance.

All of Us Research Program, National Institutes of Health
Classification: Uncertain significance for Hypertrophic cardiomyopathy. Last evaluated: 2024-07-20. Review status: criteria provided, single submitter. Criteria: ACMG Guidelines, 2015. Collection method: clinical testing. Allele origin: germline. Inheritance: Autosomal dominant inheritance. Observed: 2 variant alleles, 2 heterozygotes.
Comment: This missense variant replaces threonine with isoleucine at codon 680 of the MYBPC3 protein. Computational prediction is inconclusive regarding the impact of this variant on protein structure and function (internally defined REVEL score threshold 0.5 < inconclusive < 0.7, PMID: 27666373). To our knowledge, functional studies have not been reported for this variant. This variant has not been reported in individuals affected with MYBPC3-related disorders in the literature. This variant has not been identified in the general population by the Genome Aggregation Database (gnomAD). The available evidence is insufficient to determine the role of this variant in disease conclusively. Therefore, this variant is classified as a Variant of Uncertain Significance.

This study involves interpretation of variants in research participants for the purpose of population health screening. Participant phenotype was not available at the time of variant classification. Additional details can be found in publication PMID: 35346344, PMCID: PMC8962531

Color Diagnostics, LLC DBA Color Health
Classification: Uncertain significance for Cardiomyopathy. Last evaluated: 2024-03-06. Review status: criteria provided, single submitter. Criteria: ACMG Guidelines, 2015. Collection method: clinical testing. Allele origin: germline.
Comment: This missense variant replaces threonine with isoleucine at codon 680 of the MYBPC3 protein. Computational prediction is inconclusive regarding the impact of this variant on protein structure and function (internally defined REVEL score threshold 0.5 < inconclusive < 0.7, PMID: 27666373). To our knowledge, functional studies have not been reported for this variant. This variant has not been reported in individuals affected with MYBPC3-related disorders in the literature. This variant has not been identified in the general population by the Genome Aggregation Database (gnomAD). The available evidence is insufficient to determine the role of this variant in disease conclusively. Therefore, this variant is classified as a Variant of Uncertain Significance.